The following is an entry in ClinVar:

NM_001278064.2(GRM1):c.3212C>G (p.Pro1071Arg)

Gene: GRM1 (glutamate metabotropic receptor 1; plus strand). Cytogenetic location: 6q24.3.
Variant type: single nucleotide variant.
Coding change: c.3212C>G on transcript NM_001278064.2 (MANE Select); coding-DNA position 3212, C replaced by G.
Protein change: p.Pro1071Arg; replaces proline 1071 with arginine.
Molecular consequence: missense variant. On other transcripts: 3 prime UTR variant (3).
Genome position (GRCh38, 1-based): chr6:146,434,423, C>G. VCF-style: chr6-146434423-C-G. GRCh37 (hg19) VCF-style: chr6-146755559-C-G.
Other names: c.*576C>G (NM_001278065.2); c.*541C>G (NM_001278066.1); c.*450C>G (NM_001278067.1); short protein forms P1071R.
Identifiers: ClinVar variation 995117 (VCV000995117.2), dbSNP rs149072960, ClinGen allele CA4037650.

ClinVar aggregate classification (germline): Uncertain significance (1 of 4 stars; one submission).

Allele frequency attached by ClinVar (database versions not stated): 1000 Genomes Project 0.00040; ESP Exome Variant Server 0.00023; TOPMed 0.00011; 1000 Genomes Project 30x 0.00047.
gnomAD v4.1: 29 of 1,613,684 alleles (0.0018%); highest among the groups gnomAD compares: African/African-American, 0.033%; no homozygotes.

Submission:

Athena Diagnostics
Classification: Uncertain significance. Last evaluated: 2024-08-22. Review status: criteria provided, single submitter. Criteria: Athena Diagnostics Criteria. Collection method: clinical testing. Allele origin: unknown.
Comment: Available data are insufficient to determine the clinical significance of the variant at this time. The frequency of this variant in the general population is uninformative in assessment of its pathogenicity. Polyphen and MutationTaster predict this amino acid change may be benign.